The following is an entry in ClinVar:

NM_001930.4(DHPS):c.207+449G>A

Genes: DHPS (deoxyhypusine synthase; minus strand), LOC112543448 (CRISPRi-FlowFISH-validated WDR83OS regulatory elements; plus strand). Cytogenetic location: 19p13.13.
Variant type: single nucleotide variant.
Coding change: c.207+449G>A on transcript NM_001930.4 (MANE Select); 449 bases into the intron after coding-DNA position 207, G replaced by A.
Molecular consequence: intron variant. On other transcripts: missense variant (1), initiator codon variant (1), non-coding transcript variant (1).
Genome position (GRCh38, 1-based): chr19:12,681,111, C>T on the plus strand (G>A on the coding strand, the complement: DHPS is on the minus strand). VCF-style: chr19-12681111-C-T. GRCh37 (hg19) VCF-style: chr19-12791925-C-T.
Other names: c.3G>A, p.Met1Ile (NM_001206974.2); c.-308+449G>A (NM_001369693.1); c.207+449G>A (NM_001369692.1, NM_013406.3, NM_001369691.1); short protein forms M1I.
Identifiers: ClinVar variation 3367774 (VCV003367774.1).
Genomic context (GRCh38, chr19:12,681,111, plus strand): 5'-CTCGAACTCCTCTTCTCTTGATCCACCCGCCTCGGCTTCCCAAAATGCTGGGATTATAGG[C>T]ATGCGCCACCGCGCCCAGCCAGCCCCCACCCTTTTAGGAATCAGAGAGCATCTCCTTTCA-3'

ClinVar aggregate classification (germline): Uncertain significance (1 of 4 stars; one submission).

gnomAD v4.1: 69 of 1,277,298 alleles (0.0054%); highest among the groups gnomAD compares: Admixed American, 0.0073%; no homozygotes.

Submission:

GeneDx
Classification: Uncertain significance. Last evaluated: 2024-01-14. Review status: criteria provided, single submitter. Criteria: GeneDx Variant Classification Process June 2021. Collection method: clinical testing. Allele origin: germline. Affected: yes.
Comment: Has not been previously published as pathogenic or benign to our knowledge